The following is an entry in ClinVar:

ClinVar aggregate classification (germline): Likely pathogenic (1 of 4 stars; one submission).

Conditions:
Hypertrophic cardiomyopathy. Also called: HYPERTROPHIC MYOCARDIOPATHY. Identifiers: Orphanet 217569, MedGen C0007194, MeSH D002312, MONDO:0005045, HP:0001639.

Submission:

Center for Human Genetics, University of Leuven
Classification: Likely pathogenic for Hypertrophic cardiomyopathy. Last evaluated: 2017-02-09. Review status: criteria provided, single submitter. Criteria: ACMG Guidelines, 2015. Collection method: clinical testing. Allele origin: de novo. Inheritance: Autosomal dominant inheritance. Affected: yes. Observed: 1 variant allele.
Comment: ACMG score likely pathogenic

NM_001018005.1(TPM1):c.640_645del

Gene: TPM1 (tropomyosin 1; plus strand). Cytogenetic location: 15q22.2.
Variant type: Deletion.
Coding change: c.640_645del on transcript NM_001018005.1; coding-DNA positions 640 to 645, 6 bases deleted (TACTCG; older notation c.640_645delTACTCG).
Genome position (GRCh38, 1-based): chr15:63,062,215-63,062,220, TACTCG deleted; deleting any 6 consecutive bases within chr15:63,062,214-63,062,220 gives the same sequence; the c. name uses the placement nearest the transcript's 3' end. VCF-style (leftmost placement, unchanged base first): chr15-63062213-AGTACTC-A. GRCh37 (hg19) VCF-style: chr15-63354412-AGTACTC-A.
Identifiers: ClinVar variation 427949 (VCV000427949.4), dbSNP rs1555409659, ClinGen allele CA645372573.